The following is an entry in ClinVar:

ClinVar aggregate classification (germline): Pathogenic/Likely pathogenic. Review status: criteria provided, multiple submitters, no conflicts (2 of 4 stars). 6 submissions from 6 submitters: Pathogenic (2); Likely pathogenic (2). 2 of the submissions do not count toward it. Last evaluated 2026-07-31.

Conditions:
GRK1-related disorder. Also called: GRK1-related condition.
Retinal dystrophy. Also called: Inherited retinal dystrophy. Identifiers: Orphanet 71862, MedGen C0854723, MeSH D058499, MONDO:0019118, HP:0000556.
Oguchi disease-2. Also called: NIGHT BLINDNESS, CONGENITAL STATIONARY, OGUCHI TYPE 2. Identifiers: Orphanet 75382, MedGen C3150678, MONDO:0013259, OMIM 613411.

Allele frequency attached by ClinVar (database versions not stated): gnomAD exomes 0.00005 and 0.00003; TOPMed 0.00003; gnomAD 0.00004; ExAC 0.00006.
gnomAD v4.1: 67 of 1,536,438 alleles (0.0044%); highest among the groups gnomAD compares: Non-Finnish European, 0.0058%; no homozygotes.

Submissions (6):

GeneDx
Classification: Pathogenic. Last evaluated: 2026-07-31. Review status: criteria provided, single submitter. Criteria: GeneDx Variant Classification Process June 2021. Collection method: clinical testing. Allele origin: germline.
Comment: Published functional studies demonstrate reduced enzymatic activity and decreased protein expression (PMID: 9501174); In silico analysis supports that this missense variant has a deleterious effect on protein structure/function; This variant is associated with the following publications: (PMID: 31589614, 31964843, 17070587, 22959359, 33252155, 9020843, 38927562, 9501174)

PreventionGenetics, part of Exact Sciences
Classification: Likely pathogenic for GRK1-related condition. Last evaluated: 2025-08-07. Review status: criteria provided, single submitter. Criteria: ACMG Guidelines, 2015. Collection method: clinical testing. Allele origin: germline.
Comment: The GRK1 c.1139T>A variant is predicted to result in the amino acid substitution p.Val380Asp. This variant has been reported along with a second GRK1 variant in at least three individuals with Oguchi stationary night blindness (Yamamoto et al. 1997. PubMed ID: 9020843; Godara et al. 2012. PubMed ID: 22959359). A functional study using protein expression in cell culture found that this p.Val380Asp substitution causes a lack of enzymatic activity (Khani et al. 1998. PubMed ID: 9501174). This variant is present in 0.0068% of alleles in individuals of European (Non-Finnish) descent in gnomAD. This variant is interpreted as likely pathogenic.

Blueprint Genetics
Classification: Pathogenic for GRK1-related disorders. Last evaluated: 2024-11-06. Review status: criteria provided, single submitter. Criteria: ACMG Guidelines, 2015. Collection method: clinical testing. Allele origin: germline. Affected: yes. Observed: 5 variant alleles.

Institute of Human Genetics, Univ. Regensburg, Univ. Regensburg
Classification: Likely pathogenic for Retinal dystrophy. Last evaluated: 2019-01-01. Review status: criteria provided, single submitter. Criteria: ACMG Guidelines, 2015. Collection method: clinical testing. Allele origin: germline. Affected: yes.

Leeds Institute of Medical Research, University of Leeds
Classification: Likely pathogenic for Oguchi disease-2. Last evaluated: 2019-02-20. Review status: no assertion criteria provided. Collection method: research. Allele origin: inherited. Inheritance: Autosomal recessive inheritance. Affected: yes. Not counted in ClinVar's aggregate classification.

OMIM
Classification: Pathogenic for OGUCHI DISEASE 2. Last evaluated: 1997-02-01. Review status: no assertion criteria provided. Collection method: literature only. Allele origin: germline. Not counted in ClinVar's aggregate classification.

Literature cited by the submitters: PubMed 9020843 (cited by 3 submitters); PubMed 31589614 (cited by Institute of Human Genetics, Univ. Regensburg, Univ. Regensburg); PubMed 31964843 (cited by Institute of Human Genetics, Univ. Regensburg, Univ. Regensburg); PubMed 22959359 (cited by Leeds Institute of Medical Research, University of Leeds).

NM_002929.3(GRK1):c.1139T>A (p.Val380Asp)

Gene: GRK1 (G protein-coupled receptor kinase 1; plus strand). Cytogenetic location: 13q34.
Variant type: single nucleotide variant.
Coding change: c.1139T>A on transcript NM_002929.3 (MANE Select); coding-DNA position 1139, T replaced by A.
Protein change: p.Val380Asp; replaces valine 380 with aspartic acid.
Molecular consequence: missense variant.
Genome position (GRCh38, 1-based): chr13:113,731,288, T>A. VCF-style: chr13-113731288-T-A. GRCh37 (hg19) VCF-style: chr13-114434261-T-A.
Other names: short protein forms V380D.
Identifiers: ClinVar variation 13010 (VCV000013010.9), dbSNP rs777094000, ClinGen allele CA034664.
Genomic context (GRCh38, chr13:113,731,288, plus strand): 5'-CCCCCGAGCTCCTGCAGGGCGAGGAGTACGACTTCTCCGTGGACTACTTTGCCCTGGGGG[T>A]CACCCTGTATGAGATGATTGCGGCCAGAGGACCCTTCCGAGCCCGTGGAGAGAAGGTAGG-3'
Protein context (NP_002920.1, residues 370-390): DFSVDYFALG[Val380Asp]TLYEMIAARG